The following is an entry in ClinVar:

NM_000548.5(TSC2):c.1157A>T (p.Asp386Val)

Gene: TSC2 (TSC complex subunit 2; plus strand). Cytogenetic location: 16p13.3.
Variant type: single nucleotide variant.
Coding change: c.1157A>T on transcript NM_000548.5 (MANE Select); coding-DNA position 1157, A replaced by T.
Protein change: p.Asp386Val; replaces aspartic acid 386 with valine.
Molecular consequence: missense variant. On other transcripts: 5 prime UTR variant (10), non-coding transcript variant (5).
Genome position (GRCh38, 1-based): chr16:2,061,908, A>T. VCF-style: chr16-2061908-A-T. GRCh37 (hg19) VCF-style: chr16-2111909-A-T.
Other names: c.1157A>T, p.Asp386Val (NM_001077183.3, NM_001114382.3, NM_001363528.2 and 6 more transcripts); c.1046A>T, p.Asp349Val (NM_001318827.2, NM_001406670.1, NM_001406678.1); c.1010A>T, p.Asp337Val (NM_001318829.2, NM_001406675.1, NM_001406676.1 and 1 more transcripts); c.557A>T, p.Asp186Val (NM_001318831.2, NM_001406680.1, NM_001406682.1 and 6 more transcripts); c.1190A>T, p.Asp397Val (NM_001318832.2); c.1247A>T, p.Asp416Val (NM_001406667.1, NM_001406668.1); c.1145A>T, p.Asp382Val (NM_001406671.1, NM_001406673.1); c.1100A>T, p.Asp367Val (NM_001406677.1); and 4 more; short protein forms D367V, D416V, D186V, D349V, D397V, D337V, D232V, D382V.
Identifiers: ClinVar variation 4555321 (VCV004555321.1).

ClinVar aggregate classification (germline): Uncertain significance (1 of 4 stars; one submission).

Conditions:
Hereditary cancer-predisposing syndrome. Also called: Tumor predisposition; Hereditary Cancer Syndrome; Hereditary neoplastic syndrome; Neoplastic Syndromes, Hereditary. Identifiers: Orphanet 140162, MedGen C0027672, MeSH D009386, MONDO:0015356.

Submission:

Ambry Genetics
Classification: Uncertain significance for Hereditary cancer-predisposing syndrome. Last evaluated: 2025-11-16. Review status: criteria provided, single submitter. Criteria: Ambry Variant Classification Scheme 2023. Collection method: clinical testing. Allele origin: germline.
Comment: The p.D386V variant (also known as c.1157A>T), located in coding exon 11 of the TSC2 gene, results from an A to T substitution at nucleotide position 1157. The aspartic acid at codon 386 is replaced by valine, an amino acid with highly dissimilar properties. This amino acid position is conserved. In addition, this alteration is predicted to be deleterious by in silico analysis. Based on the available evidence, the clinical significance of this variant remains unclear.